The following is an entry in ClinVar:

NM_153717.3(EVC):c.587A>G (p.Asn196Ser)

Gene: EVC (EvC ciliary complex subunit 1; plus strand). Cytogenetic location: 4p16.2.
Variant type: single nucleotide variant.
Coding change: c.587A>G on transcript NM_153717.3 (MANE Select); coding-DNA position 587, A replaced by G.
Protein change: p.Asn196Ser; replaces asparagine 196 with serine.
Molecular consequence: missense variant.
Genome position (GRCh38, 1-based): chr4:5,731,627, A>G. VCF-style: chr4-5731627-A-G. GRCh37 (hg19) VCF-style: chr4-5733354-A-G.
Other names: c.587A>G, p.Asn196Ser (NM_001306090.2, NM_001306092.2); short protein forms N196S.
Identifiers: ClinVar variation 2073839 (VCV002073839.1), dbSNP rs1390544058, ClinGen allele CA356143278.
Genomic context (GRCh38, chr4:5,731,627, plus strand): 5'-CCAGCGTCCACTCGGCCACCAGCGATGACAGGTTTCTCAGCCGCACCTTCCTCCGGGTGA[A>G]CGCCTTCCCTGAAGTGCTGGCCTGCGAGAGGTAAGGAGAGCGGGCAATGGAGGATGAGGC-3'
Protein context (NP_714928.1, residues 186-206): RFLSRTFLRV[Asn196Ser]AFPEVLACES

ClinVar aggregate classification (germline): Uncertain significance (1 of 4 stars; one submission).

Conditions:
Curry-Hall syndrome (WAD). Also called: WEYERS ACRODENTAL DYSOSTOSIS. Identifiers: Orphanet 952, MedGen C0457013, MONDO:0008673, OMIM 193530.
Ellis-van Creveld syndrome (EVC). Also called: Chondroectodermal dysplasia; MESOECTODERMAL DYSPLASIA; EVC-Related Ellis-van Creveld Syndrome; EVC2-Related Ellis-van Creveld Syndrome. Identifiers: Orphanet 289, MedGen C0013903, MONDO:0009162, OMIM 225500.

gnomAD v4.1: 1 of 1,614,082 alleles (0.000062%); highest among the groups gnomAD compares: African/African-American, 0.0013%; no homozygotes.

Submission:

Labcorp Genetics (formerly Invitae), Labcorp
Classification: Uncertain significance for Curry-Hall syndrome; Ellis-van Creveld syndrome. Last evaluated: 2022-07-05. Review status: criteria provided, single submitter. Criteria: Invitae Variant Classification Sherloc (09022015). Collection method: clinical testing. Allele origin: germline.
Comment: This sequence change replaces asparagine, which is neutral and polar, with serine, which is neutral and polar, at codon 196 of the EVC protein (p.Asn196Ser). This variant is not present in population databases (gnomAD no frequency). This variant has not been reported in the literature in individuals affected with EVC-related conditions. Algorithms developed to predict the effect of missense changes on protein structure and function output the following: SIFT: "Tolerated"; PolyPhen-2: "Benign"; Align-GVGD: "Class C0". The serine amino acid residue is found in multiple mammalian species, which suggests that this missense change does not adversely affect protein function. Algorithms developed to predict the effect of sequence changes on RNA splicing suggest that this variant may create or strengthen a splice site. In summary, the available evidence is currently insufficient to determine the role of this variant in disease. Therefore, it has been classified as a Variant of Uncertain Significance.